The following is an entry in ClinVar:

NM_000038.6(APC):c.5944A>T (p.Lys1982Ter)

Gene: APC (APC regulator of Wnt signaling pathway; plus strand). Cytogenetic location: 5q22.2.
Variant type: single nucleotide variant.
Coding change: c.5944A>T on transcript NM_000038.6 (MANE Select); coding-DNA position 5944, A replaced by T.
Protein change: p.Lys1982Ter; replaces lysine 1982 with a stop codon.
Molecular consequence: nonsense.
Genome position (GRCh38, 1-based): chr5:112,841,538, A>T. VCF-style: chr5-112841538-A-T. GRCh37 (hg19) VCF-style: chr5-112177235-A-T.
Other names: c.5944A>T, p.Lys1982Ter (NM_001127510.3, NM_001354895.2); c.5890A>T, p.Lys1964Ter (NM_001127511.3); c.5998A>T, p.Lys2000Ter (NM_001354896.2); c.5974A>T, p.Lys1992Ter (NM_001354897.2); c.5869A>T, p.Lys1957Ter (NM_001354898.2); c.5860A>T, p.Lys1954Ter (NM_001354899.2); c.5821A>T, p.Lys1941Ter (NM_001354900.2); c.5767A>T, p.Lys1923Ter (NM_001354901.2); and 5 more; short protein forms K1964*, K1982*, K1941*, K1954*, K1992*, K1891*, K1822*, K1856*.
Identifiers: ClinVar variation 233824 (VCV000233824.16), dbSNP rs876660665, ClinGen allele CA10578415.
Genomic context (GRCh38, chr5:112,841,538, plus strand): 5'-TGCTTTTCTCATAATTCCTCTCTGAGTTCTCTCAGTGACATTGACCAAGAAAACAACAAT[A>T]AAGAAAATGAACCTATCAAAGAGACTGAGCCCCCTGACTCACAGGGAGAACCAAGTAAAC-3'

ClinVar aggregate classification (germline): Pathogenic. Review status: criteria provided, multiple submitters, no conflicts (2 of 4 stars). 3 submissions from 3 submitters: Pathogenic (3). Last evaluated 2023-05-15.

Conditions:
Familial adenomatous polyposis 1 (FAP1). Also called: FAMILIAL ADENOMATOUS POLYPOSIS 1, ATTENUATED; POLYPOSIS, ADENOMATOUS INTESTINAL. Identifiers: MedGen C2713442, MONDO:0021056, OMIM 175100. Disease mechanism: loss of function.
Hereditary cancer-predisposing syndrome. Also called: Neoplastic Syndromes, Hereditary; Tumor predisposition; Hereditary Cancer Syndrome; Hereditary neoplastic syndrome. Identifiers: Orphanet 140162, MedGen C0027672, MeSH D009386, MONDO:0015356.

Submissions (3):

Myriad Genetics, Inc.
Classification: Pathogenic for Familial adenomatous polyposis 1. Last evaluated: 2023-05-15. Review status: criteria provided, single submitter. Criteria: Myriad Autosomal Dominant, Autosomal Recessive and X-Linked Classification Criteria (2023). Collection method: clinical testing. Allele origin: unknown.
Comment: This variant is considered pathogenic. This variant creates a termination codon and is predicted to result in premature protein truncation.

Labcorp Genetics (formerly Invitae), Labcorp
Classification: Pathogenic for Familial adenomatous polyposis 1. Last evaluated: 2020-07-21. Review status: criteria provided, single submitter. Criteria: Invitae Variant Classification Sherloc (09022015). Collection method: clinical testing. Allele origin: germline.
Comment: A different truncation (p.Tyr2645Lysfs*14) that lies downstream of this variant has been determined to be pathogenic (PMID: 9824584, 1316610, 27081525, 8381579, 22135120, Invitae). This suggests that deletion of this region of the APC protein is causative of disease. For these reasons, this variant has been classified as Pathogenic. This variant is expected to disrupt the EB1 and HDLG binding sites, which mediate interactions with the cytoskeleton (PMID: 15311282, 17293347). While functional studies have not been performed to directly test the effect on APC protein function, this suggests that disruption of the C-terminal portion of the protein is functionally important. This variant has not been reported in the literature in individuals with APC-related conditions. ClinVar contains an entry for this variant (Variation ID: 233824). This variant is not present in population databases (ExAC no frequency). This sequence change results in a premature translational stop signal in the APC gene (p.Lys1982*). While this is not anticipated to result in nonsense mediated decay, it is expected to disrupt the last 862 amino acids of the APC protein.

Ambry Genetics
Classification: Pathogenic for Hereditary cancer-predisposing syndrome. Last evaluated: 2020-03-19. Review status: criteria provided, single submitter. Criteria: Ambry Variant Classification Scheme 2023. Collection method: clinical testing. Allele origin: germline.
Comment: The p.K1982* pathogenic mutation (also known as c.5944A>T), located in coding exon 15 of the APC gene, results from a A to T substitution at nucleotide position 5944. This changes the amino acid from a lysine to a stop codon within coding exon 15. This alteration is expected to result in loss of function by premature protein truncation. As such, this alteration is interpreted as a disease-causing mutation.

Literature cited by the submitters: PubMed 9824584 (cited by Labcorp Genetics (formerly Invitae), Labcorp); PubMed 1316610 (cited by Labcorp Genetics (formerly Invitae), Labcorp); PubMed 27081525 (cited by Labcorp Genetics (formerly Invitae), Labcorp); PubMed 8381579 (cited by Labcorp Genetics (formerly Invitae), Labcorp); PubMed 22135120 (cited by Labcorp Genetics (formerly Invitae), Labcorp); PubMed 15311282 (cited by Labcorp Genetics (formerly Invitae), Labcorp); PubMed 17293347 (cited by Labcorp Genetics (formerly Invitae), Labcorp).